The following is an entry in ClinVar:

ClinVar aggregate classification (germline): Uncertain significance. Review status: criteria provided, multiple submitters, no conflicts (2 of 4 stars). 3 submissions from 3 submitters: Uncertain significance (3). Last evaluated 2026-03-10.

Conditions:
EYS-related disorder. Also called: EYS-related condition.

Allele frequency attached by ClinVar (database versions not stated): gnomAD exomes below 0.00001 and 0.00001; TOPMed 0.00007; gnomAD 0.00010 and 0.00011.
gnomAD v4.1: 20 of 1,525,248 alleles (0.0013%); highest among the groups gnomAD compares: African/African-American, 0.026%; no homozygotes.

Submissions (3):

PreventionGenetics, part of Exact Sciences
Classification: Uncertain significance for EYS-related condition. Last evaluated: 2026-03-10. Review status: criteria provided, single submitter. Criteria: ACMG Guidelines, 2015. Collection method: clinical testing. Allele origin: germline.
Comment: The EYS c.7229-3C>T variant is predicted to interfere with splicing. This variant is predicted to alter splicing based on available splicing prediction programs (SpliceAI, Jaganathan et al. 2019. PubMed ID: 30661751). However, the use of computer prediction programs is not equivalent to functional evidence. To our knowledge, this variant has not been reported in the literature. This variant is reported in 0.030% of alleles in individuals of African descent in gnomAD. At this time, the clinical significance of this variant is uncertain due to the absence of conclusive functional and genetic evidence.

Labcorp Genetics (formerly Invitae), Labcorp
Classification: Uncertain significance. Last evaluated: 2022-06-13. Review status: criteria provided, single submitter. Criteria: Invitae Variant Classification Sherloc (09022015). Collection method: clinical testing. Allele origin: germline.
Comment: This sequence change falls in intron 36 of the EYS gene. It does not directly change the encoded amino acid sequence of the EYS protein. It affects a nucleotide within the consensus splice site. The frequency data for this variant in the population databases is considered unreliable, as metrics indicate poor data quality at this position in the gnomAD database. This variant has not been reported in the literature in individuals affected with EYS-related conditions. Variants that disrupt the consensus splice site are a relatively common cause of aberrant splicing (PMID: 17576681, 9536098). Algorithms developed to predict the effect of sequence changes on RNA splicing suggest that this variant may disrupt the consensus splice site. In summary, the available evidence is currently insufficient to determine the role of this variant in disease. Therefore, it has been classified as a Variant of Uncertain Significance.

Blueprint Genetics
Classification: Uncertain significance. Last evaluated: 2020-08-07. Review status: criteria provided, single submitter. Criteria: ACMG Guidelines, 2015. Collection method: clinical testing. Allele origin: germline.

Literature cited by the submitters: PubMed 17576681 (cited by Labcorp Genetics (formerly Invitae), Labcorp); PubMed 9536098 (cited by Labcorp Genetics (formerly Invitae), Labcorp).

NM_001142800.2(EYS):c.7229-3C>T

Gene: EYS (EGF-like photoreceptor maintenance factor; minus strand). Cytogenetic location: 6q12.
Variant type: single nucleotide variant.
Coding change: c.7229-3C>T on transcript NM_001142800.2 (MANE Select); 3 bases into the intron before coding-DNA position 7229, C replaced by T.
Molecular consequence: intron variant.
Genome position (GRCh38, 1-based): chr6:63,806,375, G>A on the plus strand (C>T on the coding strand, the complement: EYS is on the minus strand). VCF-style: chr6-63806375-G-A. GRCh37 (hg19) VCF-style: chr6-64516268-G-A.
Other names: c.7229-3C>T (NM_001292009.2, NM_001142800.1).
Identifiers: ClinVar variation 1421842 (VCV001421842.8), dbSNP rs962905685, ClinGen allele CA140245754.
Genomic context (GRCh38, chr6:63,806,375, plus strand): 5'-AATGAGGTGTATCCAAAGGCATCTGTGCCACTGAACCTTGGCTGAGTAATATTAATAGCT[G>A]TGAAAAAACCCAAACCAAACAGTTAAAATAAACCTGTACATGTATTTGTAAAGTGAGGGT-3'